The following is an entry in ClinVar:

NM_000136.3(FANCC):c.-79+11G>C

Gene: FANCC (FA complementation group C; minus strand). Cytogenetic location: 9q22.32.
Variant type: single nucleotide variant.
Coding change: c.-79+11G>C on transcript NM_000136.3 (MANE Select); 11 bases into the intron after 79 bases upstream of the start codon, G replaced by C.
Molecular consequence: intron variant.
Genome position (GRCh38, 1-based): chr9:95,317,515, C>G on the plus strand (G>C on the coding strand, the complement: FANCC is on the minus strand). VCF-style: chr9-95317515-C-G. GRCh37 (hg19) VCF-style: chr9-98079797-C-G.
Other names: c.-79+11G>C (NM_001243744.2).
Identifiers: ClinVar variation 507918 (VCV000507918.1), dbSNP rs1554876653, ClinGen allele CA658797246.
Genomic context (GRCh38, chr9:95,317,515, plus strand): 5'-GCCGCTGACGTGTCGGCCAGACCCCCGAGGGAAGCCTCCGCCCTCGCTGCGTTCTGCGGC[C>G]TGCCGCTTACCGGGTGGTCCTCGCGGGAGCTGCTTCAGCAGTTTGGGCAGTGGCGGAAAG-3'

ClinVar aggregate classification (germline): Likely benign (1 of 4 stars; one submission).

Submission:

GeneDx
Classification: Likely benign. Last evaluated: 2017-03-09. Review status: criteria provided, single submitter. Criteria: GeneDx Variant Classification (06012015). Collection method: clinical testing. Allele origin: germline. Affected: yes.
Comment: This variant is considered likely benign or benign based on one or more of the following criteria: it is a conservative change, it occurs at a poorly conserved position in the protein, it is predicted to be benign by multiple in silico algorithms, and/or has population frequency not consistent with disease.